The following is an entry in ClinVar:

NM_002230.4(JUP):c.1183A>G (p.Ile395Val)

Gene: JUP (junction plakoglobin; minus strand). Cytogenetic location: 17q21.2.
Variant type: single nucleotide variant.
Coding change: c.1183A>G on transcript NM_002230.4 (MANE Select); coding-DNA position 1183, A replaced by G.
Protein change: p.Ile395Val; replaces isoleucine 395 with valine.
Molecular consequence: missense variant.
Genome position (GRCh38, 1-based): chr17:41,763,297, T>C on the plus strand (A>G on the coding strand, the complement: JUP is on the minus strand). VCF-style: chr17-41763297-T-C. GRCh37 (hg19) VCF-style: chr17-39919549-T-C.
Other names: c.1183A>G, p.Ile395Val (NM_001352773.2, NM_001352774.2, NM_001352775.2 and 3 more transcripts); short protein forms I395V.
Identifiers: ClinVar variation 2563206 (VCV002563206.2), dbSNP rs2544110950, ClinGen allele CA399498165.

ClinVar aggregate classification (germline): Uncertain significance (1 of 4 stars; one submission).

Conditions:
Cardiovascular phenotype. Identifiers: MedGen CN230736.

Submission:

Ambry Genetics
Classification: Uncertain significance for Cardiovascular phenotype. Last evaluated: 2023-04-28. Review status: criteria provided, single submitter. Criteria: Ambry Variant Classification Scheme 2023. Collection method: clinical testing. Allele origin: germline.
Comment: The p.I395V variant (also known as c.1183A>G), located in coding exon 7 of the JUP gene, results from an A to G substitution at nucleotide position 1183. The isoleucine at codon 395 is replaced by valine, an amino acid with highly similar properties. This amino acid position is conserved. In addition, this alteration is predicted to be tolerated by in silico analysis. Since supporting evidence is limited at this time, the clinical significance of this alteration remains unclear.